The following is an entry in ClinVar:

NM_000179.3(MSH6):c.*2C>T

Gene: MSH6 (mutS homolog 6; plus strand). Cytogenetic location: 2p16.3.
Variant type: single nucleotide variant.
Coding change: c.*2C>T on transcript NM_000179.3 (MANE Select); 2 bases downstream of the stop codon, C replaced by T.
Molecular consequence: 3 prime UTR variant.
Genome position (GRCh38, 1-based): chr2:47,806,862, C>T. VCF-style: chr2-47806862-C-T. GRCh37 (hg19) VCF-style: chr2-48034001-C-T.
Other names: c.*2C>T (NM_001281492.2, NM_001281493.2, NM_001281494.2).
Identifiers: ClinVar variation 628581 (VCV000628581.5), dbSNP rs752809310, ClinGen allele CA069945.

ClinVar aggregate classification (germline): Conflicting classifications of pathogenicity. Review status: criteria provided, conflicting classifications (1 of 4 stars). 4 submissions from 4 submitters: Uncertain significance (1); Benign (1); Likely benign (2). Last evaluated 2025-01-09.

Conditions:
Lynch syndrome. Identifiers: Orphanet 144, MedGen C4552100, MONDO:0005835. Disease mechanism: loss of function.
Hereditary cancer-predisposing syndrome. Also called: Neoplastic Syndromes, Hereditary; Tumor predisposition; Hereditary neoplastic syndrome; Hereditary Cancer Syndrome. Identifiers: Orphanet 140162, MedGen C0027672, MeSH D009386, MONDO:0015356.
Lynch syndrome 5 (LYNCH5). Also called: Colorectal cancer, hereditary nonpolyposis, type 5; Hereditary non-polyposis colorectal cancer, type 5. Identifiers: Orphanet 144, MedGen C1833477, MONDO:0013710, OMIM 614350. Disease mechanism: loss of function.

Allele frequency attached by ClinVar (database versions not stated): TOPMed below 0.00001; ExAC 0.00001; gnomAD 0.00001; gnomAD exomes below 0.00001.
gnomAD v4.1: 8 of 1,603,992 alleles (0.0005%); highest among the groups gnomAD compares: East Asian, 0.0022%; no homozygotes.

Submissions (4):

Myriad Genetics, Inc.
Classification: Benign for Lynch syndrome 5. Last evaluated: 2025-01-09. Review status: criteria provided, single submitter. Criteria: Myriad Autosomal Dominant, Autosomal Recessive and X-Linked Classification Criteria (2023). Collection method: clinical testing. Allele origin: unknown.
Comment: This variant is considered benign. This variant occurs in the non-coding 3' untranslated region of the gene, and is not expected to impact protein function.

All of Us Research Program, National Institutes of Health
Classification: Likely benign for Lynch syndrome. Last evaluated: 2024-08-30. Review status: criteria provided, single submitter. Criteria: ACMG Guidelines, 2015. Collection method: clinical testing. Allele origin: germline. Inheritance: Autosomal dominant inheritance. Observed: 1 variant allele, 1 heterozygote.
Comment: This study involves interpretation of variants in research participants for the purpose of population health screening. Participant phenotype was not available at the time of variant classification. Additional details can be found in publication PMID: 35346344, PMCID: PMC8962531

GeneDx
Classification: Uncertain significance. Last evaluated: 2023-12-28. Review status: criteria provided, single submitter. Criteria: GeneDx Variant Classification Process June 2021. Collection method: clinical testing. Allele origin: germline. Affected: yes.
Comment: Not observed at significant frequency in large population cohorts (gnomAD); Nucleotide is not conserved across species and the substitution has no predicted effect on splicing; Has not been previously published as pathogenic or benign to our knowledge

Color Diagnostics, LLC DBA Color Health
Classification: Likely benign for Hereditary cancer-predisposing syndrome. Last evaluated: 2016-04-29. Review status: criteria provided, single submitter. Criteria: ACMG Guidelines, 2015. Collection method: clinical testing. Allele origin: germline.